The following is an entry in ClinVar:

ClinVar aggregate classification (germline): Pathogenic. Review status: criteria provided, multiple submitters, no conflicts (2 of 4 stars). 4 submissions from 4 submitters: Pathogenic (3). 1 of the submissions does not count toward it. Last evaluated 2024-09-01.

Conditions:
Glycogen storage disease type III (GSD3). Also called: FORBES DISEASE; Cori disease. Identifiers: Orphanet 366, MedGen C0017922, MONDO:0009291, OMIM 232400.

Submissions (4):

CeGaT Center for Human Genetics Tuebingen
Classification: Pathogenic. Last evaluated: 2024-09-01. Review status: criteria provided, single submitter. Criteria: CeGaT Center For Human Genetics Tuebingen Variant Classification Criteria Version 2. Collection method: clinical testing. Allele origin: germline. Affected: yes. Observed: 1 variant allele.
Comment: AGL: PVS1, PP1:Strong, PM2, PM3

Labcorp Genetics (formerly Invitae), Labcorp
Classification: Pathogenic for Glycogen storage disease type III. Last evaluated: 2024-06-21. Review status: criteria provided, single submitter. Criteria: Invitae Variant Classification Sherloc (09022015). Collection method: clinical testing. Allele origin: germline.
Comment: This sequence change creates a premature translational stop signal (p.Ala1400Leufs*15) in the AGL gene. It is expected to result in an absent or disrupted protein product. Loss-of-function variants in AGL are known to be pathogenic (PMID: 19299494). This variant is not present in population databases (gnomAD no frequency). This premature translational stop signal has been observed in individual(s) with glycogen storage disease type III (PMID: 20490926, 24824133). It has also been observed to segregate with disease in related individuals. ClinVar contains an entry for this variant (Variation ID: 188970). For these reasons, this variant has been classified as Pathogenic.

Genome-Nilou Lab
Classification: Pathogenic for Glycogen storage disease type III. Last evaluated: 2021-07-15. Review status: criteria provided, single submitter. Criteria: ACMG Guidelines, 2015. Collection method: clinical testing. Allele origin: germline. Affected: no.

Counsyl
Classification: Likely pathogenic for Glycogen storage disease type III. Last evaluated: 2014-09-19. Review status: no assertion criteria provided. Collection method: literature only. Allele origin: unknown. Inheritance: Autosomal recessive inheritance. Not counted in ClinVar's aggregate classification.

Literature cited by the submitters: PubMed 19299494 (cited by Labcorp Genetics (formerly Invitae), Labcorp); PubMed 20490926 (cited by Labcorp Genetics (formerly Invitae), Labcorp and Counsyl); PubMed 24824133 (cited by Labcorp Genetics (formerly Invitae), Labcorp and Counsyl).

NM_000642.3(AGL):c.4197del (p.Ala1400fs)

Gene: AGL (amylo-alpha-1,6-glucosidase and 4-alpha-glucanotransferase; plus strand). Cytogenetic location: 1p21.2.
Variant type: Deletion.
Coding change: c.4197del on transcript NM_000642.3 (MANE Select); coding-DNA position 4197, one base deleted (A; older notation c.4197delA).
Protein change: p.Ala1400fs; shifts the reading frame from alanine 1400.
Molecular consequence: frameshift variant.
Genome position (GRCh38, 1-based): chr1:99,915,424, A deleted; the last of 3 consecutive A bases (chr1:99,915,422-99,915,424); deleting any one gives the same sequence. VCF-style (leftmost placement, unchanged base first): chr1-99915421-GA-G. GRCh37 (hg19) VCF-style: chr1-100380977-GA-G.
Other names: c.4197del (NM_000642.2); c.4197delA, p.Ala1400Leufs (NM_000028.3, NM_000643.3, NM_000644.3 and 1 more transcripts); c.4149delA, p.Ala1384Leufs (NM_000646.3); c.4176delA, p.Ala1393Leufs (NM_001425326.1); c.3996delA, p.Ala1333Leufs (NM_001425327.1); c.3993delA, p.Ala1332Leufs (NM_001425328.1); c.3858delA, p.Ala1287Leufs (NM_001425329.1); c.3819delA, p.Ala1274Leufs (NM_001425332.1); short protein forms A1400fs, A1384fs.
Identifiers: ClinVar variation 188970 (VCV000188970.29), dbSNP rs786204595, ClinGen allele CA274202.